The following is an entry in ClinVar:

NM_013964.5(NRG1):c.1380G>A (p.Thr460=)

Gene: NRG1 (neuregulin 1; plus strand). Cytogenetic location: 8p12.
Variant type: single nucleotide variant.
Coding change: c.1380G>A on transcript NM_013964.5 (MANE Select); coding-DNA position 1380, G replaced by A.
Protein change: p.Thr460=; no amino-acid change (threonine 460 retained).
Molecular consequence: synonymous variant. On other transcripts: 3 prime UTR variant (4).
Genome position (GRCh38, 1-based): chr8:32,763,859, G>A. VCF-style: chr8-32763859-G-A. GRCh37 (hg19) VCF-style: chr8-32621377-G-A.
Other names: c.1281G>A, p.Thr427= (NM_001159995.3); c.*133G>A (NM_001159996.3, NM_001160004.3, NM_001322206.2 and 1 more transcripts); c.1332G>A, p.Thr444= (NM_001159999.3); c.1230G>A, p.Thr410= (NM_001160001.3); c.909G>A, p.Thr303= (NM_001322197.2); c.606G>A, p.Thr202= (NM_001322201.2, NM_001322202.2); c.1560G>A, p.Thr520= (NM_001322205.2); c.1395G>A, p.Thr465= (NM_013956.5); and 2 more.
Identifiers: ClinVar variation 739170 (VCV000739170.5), dbSNP rs145358541, ClinGen allele CA4706136.

ClinVar aggregate classification (germline): Likely benign. Review status: criteria provided, single submitter (1 of 4 stars). 2 submissions from 2 submitters: Likely benign (1). 1 of the submissions does not count toward it. Last evaluated 2018-01-02.

Conditions:
NRG1-related disorder. Also called: NRG1-related condition.

Allele frequency attached by ClinVar (database versions not stated): TOPMed below 0.00001; gnomAD 0.00001; ExAC 0.00002; gnomAD exomes 0.00002; ESP Exome Variant Server 0.00008.
gnomAD v4.1: 40 of 1,613,868 alleles (0.0025%); highest among the groups gnomAD compares: South Asian, 0.0055%; no homozygotes.

Submissions (2):

Labcorp Genetics (formerly Invitae), Labcorp
Classification: Likely benign. Last evaluated: 2018-01-02. Review status: criteria provided, single submitter. Criteria: Invitae Variant Classification Sherloc (09022015). Collection method: clinical testing. Allele origin: germline.

PreventionGenetics, part of Exact Sciences
Classification: Likely benign for NRG1-related condition. Last evaluated: 2019-04-05. Review status: no assertion criteria provided. Collection method: clinical testing. Allele origin: germline. Not counted in ClinVar's aggregate classification.
Comment: This variant is classified as likely benign based on ACMG/AMP sequence variant interpretation guidelines (Richards et al. 2015 PMID: 25741868, with internal and published modifications).